The following is an entry in ClinVar:

NM_212552.3(BOLA3):c.317A>G (p.Lys106Arg)

Gene: BOLA3 (bolA family member 3; minus strand). Cytogenetic location: 2p13.1.
Variant type: single nucleotide variant.
Coding change: c.317A>G on transcript NM_212552.3 (MANE Select); coding-DNA position 317, A replaced by G.
Protein change: p.Lys106Arg; replaces lysine 106 with arginine.
Molecular consequence: missense variant. On other transcripts: synonymous variant (1).
Genome position (GRCh38, 1-based): chr2:74,135,600, T>C on the plus strand (A>G on the coding strand, the complement: BOLA3 is on the minus strand). VCF-style: chr2-74135600-T-C. GRCh37 (hg19) VCF-style: chr2-74362727-T-C.
Other names: c.228A>G, p.Gln76= (NM_001035505.2); short protein forms K106R.
Identifiers: ClinVar variation 1029541 (VCV001029541.1), dbSNP rs376876176, ClinGen allele CA1719441.

ClinVar aggregate classification (germline): Uncertain significance (1 of 4 stars; one submission).

Conditions:
Multiple mitochondrial dysfunctions syndrome 2 (MMDS2). Also called: MULTIPLE MITOCHONDRIAL DYSFUNCTIONS SYNDROME 2 WITH HYPERGLYCINEMIA. Identifiers: Orphanet 401874, MedGen C3280378, MONDO:0013675, OMIM 614299.

Allele frequency attached by ClinVar (database versions not stated): ExAC 0.00002; gnomAD exomes 0.00003 and 0.00004; TOPMed 0.00003; gnomAD 0.00004; ESP Exome Variant Server 0.00008.
gnomAD v4.1: 53 of 1,613,978 alleles (0.0033%); highest among the groups gnomAD compares: Non-Finnish European, 0.0034%; no homozygotes.

Submission:

Baylor Genetics
Classification: Uncertain significance for Multiple mitochondrial dysfunctions syndrome 2. Last evaluated: 2019-03-12. Review status: criteria provided, single submitter. Criteria: ACMG Guidelines, 2015. Collection method: clinical testing. Allele origin: unknown. Affected: yes.
Comment: This variant was determined to be of uncertain significance according to ACMG Guidelines, 2015 [PMID:25741868].